The following continues an entry in ClinVar:

NM_001267550.2(TTN):c.30718G>T (p.Val10240Phe)

Gene: TTN. ClinVar aggregate classification (germline): Conflicting classifications of pathogenicity. Uncertain significance (9); Benign (3); Likely benign (10).

Submissions 18 to 27 of 27:

Phosphorus, Inc.
Classification: Uncertain significance for Tibial muscular dystrophy. Last evaluated: 2017-08-01. Review status: criteria provided, single submitter. Criteria: ACMG Guidelines, 2015. Collection method: clinical testing. Allele origin: germline. Observed: 1 variant allele.

Genetic Services Laboratory, University of Chicago
Classification: Uncertain significance. Last evaluated: 2016-08-09. Review status: criteria provided, single submitter. Criteria: ACMG Guidelines, 2015. Collection method: clinical testing. Allele origin: germline. Affected: no.

Eurofins Ntd Llc (ga)
Classification: Uncertain significance. Last evaluated: 2015-07-30. Review status: criteria provided, single submitter. Criteria: EGL Classification Definitions 2015. Collection method: clinical testing. Allele origin: germline. Observed: 9 variant alleles, 8 heterozygotes.

Laboratory for Molecular Medicine, Mass General Brigham Personalized Medicine
Classification: Uncertain significance. Last evaluated: 2014-03-13. Review status: criteria provided, single submitter. Criteria: LMM Criteria. Collection method: clinical testing. Allele origin: germline. Observed: 2 variant alleles.
Comment: Variant classified as Uncertain Significance - Favor Benign. This variant has also been identified in 0.2% (14/7946) European Americ an chromosomes by the NHLBI Exome Sequencing Project (du; dbSNP rs111671438). While this frequency suggests that this variant is more likely benign, it is too low to confidently rule out a disease causing role. Com putational prediction tools and conservation analyses do not provide strong supp ort for or against an impact to the protein. Additional information is needed to fully assess its clinical significance.

Biesecker Lab/Clinical Genomics Section, National Institutes of Health
Classification: Likely benign. Last evaluated: 2013-06-24. Review status: criteria provided, single submitter. Criteria: Ng et al. (Circ Cardiovasc Genet. 2013). Collection method: research. Allele origin: unknown. Observed: 2 variant alleles. Study: ClinSeq.
Comment: The study set was not selected for affection status in relation to any cancer. Pathogenicity categories were based on literature curation. See Pubmed ID:23861362 for details.

Medical sequencing

PreventionGenetics, part of Exact Sciences
Classification: Likely benign for TTN-related condition. Last evaluated: 2022-02-01. Review status: no assertion criteria provided. Collection method: clinical testing. Allele origin: germline. Not counted in ClinVar's aggregate classification.
Comment: This variant is classified as likely benign based on ACMG/AMP sequence variant interpretation guidelines (Richards et al. 2015 PMID: 25741868, with internal and published modifications).

Clinical Genetics DNA and cytogenetics Diagnostics Lab, Erasmus MC, Erasmus Medical Center
Classification: Likely benign. Review status: no assertion criteria provided. Collection method: clinical testing. Allele origin: germline. Affected: yes. Study: VKGL Data-share Consensus. Not counted in ClinVar's aggregate classification.

Clinical Genetics, Academic Medical Center
Classification: Benign. Review status: no assertion criteria provided. Collection method: clinical testing. Allele origin: germline. Affected: yes. Study: VKGL Data-share Consensus. Not counted in ClinVar's aggregate classification.

Diagnostic Laboratory, Department of Genetics, University Medical Center Groningen
Classification: Likely benign. Review status: no assertion criteria provided. Collection method: clinical testing. Allele origin: germline. Affected: yes. Study: VKGL Data-share Consensus. Not counted in ClinVar's aggregate classification.

Laboratory of Diagnostic Genome Analysis, Leiden University Medical Center (LUMC)
Classification: Likely benign. Review status: no assertion criteria provided. Collection method: clinical testing. Allele origin: germline. Affected: yes. Study: VKGL Data-share Consensus. Not counted in ClinVar's aggregate classification.

Literature cited by the submitters: PubMed 23861362 (cited by 3 submitters).